The following is an entry in ClinVar:

NM_001142800.2(EYS):c.6419A>G (p.Glu2140Gly)

Gene: EYS (eyes shut homolog; minus strand). Cytogenetic location: 6q12.
Variant type: single nucleotide variant.
Coding change: c.6419A>G on transcript NM_001142800.2 (MANE Select); coding-DNA position 6419, A replaced by G.
Protein change: p.Glu2140Gly; replaces glutamic acid 2140 with glycine.
Molecular consequence: missense variant.
Genome position (GRCh38, 1-based): chr6:64,230,597, T>C on the plus strand (A>G on the coding strand, the complement: EYS is on the minus strand). VCF-style: chr6-64230597-T-C. GRCh37 (hg19) VCF-style: chr6-64940490-T-C.
Other names: c.6419A>G, p.Glu2140Gly (NM_001292009.2); short protein forms E2140G.
Identifiers: ClinVar variation 1439751 (VCV001439751.5), dbSNP rs1455868871, ClinGen allele CA364391145.

ClinVar aggregate classification (germline): Uncertain significance (1 of 4 stars; one submission).

Allele frequency attached by ClinVar (database versions not stated): gnomAD exomes 0.00001 and 0.00002; TOPMed 0.00001.
gnomAD v4.1: 25 of 1,544,292 alleles (0.0016%); highest among the groups gnomAD compares: Non-Finnish European, 0.002%; no homozygotes.

Submission:

Labcorp Genetics (formerly Invitae), Labcorp
Classification: Uncertain significance. Last evaluated: 2022-08-08. Review status: criteria provided, single submitter. Criteria: Invitae Variant Classification Sherloc (09022015). Collection method: clinical testing. Allele origin: germline.
Comment: This sequence change replaces glutamic acid, which is acidic and polar, with glycine, which is neutral and non-polar, at codon 2140 of the EYS protein (p.Glu2140Gly). This variant is present in population databases (no rsID available, gnomAD 0.004%). This variant has not been reported in the literature in individuals affected with EYS-related conditions. ClinVar contains an entry for this variant (Variation ID: 1439751). Algorithms developed to predict the effect of missense changes on protein structure and function (SIFT, PolyPhen-2, Align-GVGD) all suggest that this variant is likely to be disruptive. In summary, the available evidence is currently insufficient to determine the role of this variant in disease. Therefore, it has been classified as a Variant of Uncertain Significance.